The following is an entry in ClinVar:

ClinVar aggregate classification (germline): Pathogenic. Review status: reviewed by expert panel (3 of 4 stars). 8 submissions from 7 submitters: Pathogenic (1). 7 of the submissions do not count toward it. Last evaluated 2017-03-17.

Conditions:
CFTR-related disorder (CFTR-RD). Also called: CFTR-related condition; CFTR-related disorders. Identifiers: MedGen C5924204, MONDO:7770004.
Cystic fibrosis (CF). Also called: MUCOVISCIDOSIS. Identifiers: Orphanet 586, MedGen C0010674, MONDO:0009061, OMIM 219700. Disease mechanism: loss of function.

Submissions (8):

CFTR2
Classification: Pathogenic for Cystic fibrosis. Last evaluated: 2017-03-17. Review status: reviewed by expert panel. Criteria: Sosnay PR et al. (Nat Genet 2013). Collection method: research. Allele origin: germline. Affected: yes. Study: CFTR2.

Natera, Inc.
Classification: Pathogenic for CFTR-related disorders. Last evaluated: 2025-05-08. Review status: criteria provided, single submitter. Criteria: Natera Variant Classification Schema (03/2026). Collection method: clinical testing. Allele origin: germline. Not counted in ClinVar's aggregate classification.
Comment: The c.170G>A variant in CFTR is a nonsense variant predicted to introduce a stop codon at amino acid 57. This variant is expected to result in nonsense mediated decay, truncation, or a dysfunctional protein product. This variant is rare in the general population with a frequency below the threshold expected for the associated phenotype(s). This variant has been observed in one or more individuals affected with the associated recessive disease, as either homozygous or compound heterozygous with a second variant (PMID: 21909392, 21811577). Given the available evidence, this variant is classified as Pathogenic.

Labcorp Genetics (formerly Invitae), Labcorp
Classification: Pathogenic for Cystic fibrosis. Last evaluated: 2023-12-14. Review status: criteria provided, single submitter. Criteria: Invitae Variant Classification Sherloc (09022015). Collection method: clinical testing. Allele origin: germline. Not counted in ClinVar's aggregate classification.
Comment: This sequence change creates a premature translational stop signal (p.Trp57*) in the CFTR gene. It is expected to result in an absent or disrupted protein product. Loss-of-function variants in CFTR are known to be pathogenic (PMID: 1695717, 7691345, 9725922). This variant is not present in population databases (gnomAD no frequency). This premature translational stop signal has been observed in individual(s) with cystic fibrosis (PMID: 7683952; Invitae). In at least one individual the data is consistent with being in trans (on the opposite chromosome) from a pathogenic variant. ClinVar contains an entry for this variant (Variation ID: 53355). For these reasons, this variant has been classified as Pathogenic.

Women's Health and Genetics/Laboratory Corporation of America, LabCorp
Classification: Pathogenic for Cystic fibrosis. Last evaluated: 2021-06-10. Review status: criteria provided, single submitter. Criteria: LabCorp Variant Classification Summary - May 2015. Collection method: clinical testing. Allele origin: germline. Not counted in ClinVar's aggregate classification.
Comment: Variant summary: CFTR c.170G>A (p.Trp57X) results in a premature termination codon, predicted to cause a truncation of the encoded protein or absence of the protein due to nonsense mediated decay, which are commonly known mechanisms for disease. Truncations downstream of this position have been classified as pathogenic by our laboratory. The variant was absent in 250782 control chromosomes. c.170G>A has been reported in the literature in compound heterozygosity with another pathogenic variant in multiple individuals affected with Cystic Fibrosis (e.g. Bezieau_1993, Roth_2011, Sorio_2011). These data indicate that the variant is likely to be associated with disease. At least one publication reports in-vitro experimental evidence evaluating an impact on protein function, indicating that the variant results in impaired protein processing and less than 1% the functional activity of wild-type CFTR (e.g. Sharma_2018). Three clinical diagnostic laboratories have submitted clinical-significance assessments for this variant to ClinVar after 2014 without evidence for independent evaluation. All laboratories cited the variant as pathogenic. Based on the evidence outlined above, the variant was classified as pathogenic.

Genome Diagnostics Laboratory, The Hospital for Sick Children
Classification: Pathogenic for Cystic fibrosis. Last evaluated: 2019-08-28. Review status: criteria provided, single submitter. Criteria: ACMG Guidelines, 2015. Collection method: clinical testing. Allele origin: germline. Not counted in ClinVar's aggregate classification.

CFTR-France
Classification: Pathogenic for cystic fibrosis; CFTR-related disorders. Last evaluated: 2018-01-29. Review status: criteria provided, single submitter. Criteria: Claustres M et al. (Hum Mutat 2017). Collection method: curation. Allele origin: germline. Affected: yes. Not counted in ClinVar's aggregate classification.
Comment: the variant causes a phenotype but regarding our data, we can't formally attribute it to CF, CFTR-RD or both

Ambry Genetics
Classification: Pathogenic for Cystic fibrosis. Last evaluated: 2015-04-07. Review status: criteria provided, single submitter. Criteria: Ambry Variant Classification Scheme 2023. Collection method: clinical testing. Allele origin: germline. Not counted in ClinVar's aggregate classification.
Comment: The p.W57* pathogenic mutation (also known as c.170G>A and p.W57X), located in coding exon 3 of the CFTR gene, results from a G to A substitution at nucleotide position 170. This changes the amino acid from a tryptophan to a stop codon within coding exon 3. This pathogenic mutation was first reported in two individuals with cystic fibrosis and pancreatic insufficiency; information about the second mutation in these individuals was not provided (Audr&eacute;zet MP et al. Hum Mol Genet. 1993;2(1):51-4). In addition to the clinical data presented in the literature, since premature stop codons are typically deleterious in nature, this alteration is interpreted as a disease-causing mutation (ACMG Recommendations for Standards for Interpretation and Reporting of Sequence Variations. Revision 2007. Genet Med. 2008;10:294).

Genome Diagnostics Laboratory, The Hospital for Sick Children
Classification: Pathogenic for CFTR-related disorders. Last evaluated: 2019-08-28. Review status: no assertion criteria provided. Collection method: clinical testing. Allele origin: germline. Not counted in ClinVar's aggregate classification.

Literature cited by the submitters: PubMed 21909392 (cited by Natera, Inc. and Women's Health and Genetics/Laboratory Corporation of America, LabCorp); PubMed 21811577 (cited by Natera, Inc. and Women's Health and Genetics/Laboratory Corporation of America, LabCorp); PubMed 1695717 (cited by Labcorp Genetics (formerly Invitae), Labcorp); PubMed 7691345 (cited by Labcorp Genetics (formerly Invitae), Labcorp); PubMed 9725922 (cited by Labcorp Genetics (formerly Invitae), Labcorp); PubMed 7683952 (cited by 3 submitters); PubMed 17331079 (cited by Women's Health and Genetics/Laboratory Corporation of America, LabCorp); PubMed 10923036 (cited by Women's Health and Genetics/Laboratory Corporation of America, LabCorp); PubMed 12000363 (cited by Women's Health and Genetics/Laboratory Corporation of America, LabCorp); PubMed 11379874 (cited by Women's Health and Genetics/Laboratory Corporation of America, LabCorp); PubMed 11216394 (cited by Women's Health and Genetics/Laboratory Corporation of America, LabCorp); PubMed 30444886 (cited by Women's Health and Genetics/Laboratory Corporation of America, LabCorp).

NM_000492.4(CFTR):c.170G>A (p.Trp57Ter)

Genes: CFTR (CF transmembrane conductance regulator; plus strand), LOC113664106 (CFTR intron 2 DNase I hypersensitive site; plus strand). Cytogenetic location: 7q31.2.
Variant type: single nucleotide variant.
Coding change: c.170G>A on transcript NM_000492.4 (MANE Select); coding-DNA position 170, G replaced by A.
Protein change: p.Trp57Ter; replaces tryptophan 57 with a stop codon.
Molecular consequence: nonsense.
Genome position (GRCh38, 1-based): chr7:117,509,039, G>A. VCF-style: chr7-117509039-G-A. GRCh37 (hg19) VCF-style: chr7-117149093-G-A.
Other names: short protein forms W57*.
Identifiers: ClinVar variation 53355 (VCV000053355.17), dbSNP rs397508279, ClinGen allele CA326628.